The following is an entry in ClinVar:

ClinVar aggregate classification (germline): Pathogenic (1 of 4 stars; one submission).

Conditions:
Hyper-IgE recurrent infection syndrome 3, autosomal recessive. Also called: Autosomal recessive hyper-IgE syndrome due to ZNF341 deficiency; HYPER-IgE SYNDROME 3, AUTOSOMAL RECESSIVE, WITH RECURRENT INFECTIONS. Identifiers: Orphanet 641368, MedGen C4748969, MONDO:0032654, OMIM 618282.

Submission:

Labcorp Genetics (formerly Invitae), Labcorp
Classification: Pathogenic for Combined immunodeficiency due to DOCK8 deficiency. Last evaluated: 2018-10-02. Review status: criteria provided, single submitter. Criteria: Invitae Variant Classification Sherloc (09022015). Collection method: clinical testing. Allele origin: germline.
Comment: For these reasons, this variant has been classified as Pathogenic. Loss-of-function variants in DOCK8 are known to be pathogenic (PMID: 14722525, 19776401). This variant has been observed to be homozygous in individuals affected with DOCK8 deficiency (PMID: 22476911,¬†21324546) This variant is a gross deletion of the genomic region encompassing exons 1-9 of the DOCK8 gene, which includes the initiator codon. The 5' end of this event is unknown as it extends beyond the assayed region for this gene and therefore may encompass additional genes. The 3' boundary is likely confined to intron 9 of the DOCK8 gene. This is expected to result in an absent or disrupted protein product.

Literature cited by the submitters: PubMed 14722525; PubMed 19776401; PubMed 22476911.

NC_000009.12:g.(?_214957)_(328191_?)del

Genes: DOCK8 (dedicator of cytokinesis 8; plus strand), DOCK8-AS1 (DOCK8 antisense RNA 1; minus strand), LOC130001437 (ATAC-STARR-seq lymphoblastoid silent region 19722; plus strand), LOC130001438 (ATAC-STARR-seq lymphoblastoid silent region 19723; plus strand), LOC130001439 (ATAC-STARR-seq lymphoblastoid active region 28115; plus strand) and 2 more. Cytogenetic location: 9p24.3.
Variant type: Deletion.
Identifiers: ClinVar variation 649076 (VCV000649076.12).